The following is an entry in ClinVar:

ClinVar aggregate classification (germline): Uncertain significance (1 of 4 stars; one submission).

Conditions:
Primary ciliary dyskinesia. Also called: Ciliary dyskinesia. Identifiers: Orphanet 244, MedGen C0008780, MONDO:0016575, HP:0012265.

Allele frequency attached by ClinVar (database versions not stated): gnomAD exomes 0.00001; TOPMed 0.00003; gnomAD 0.00004.

Submission:

Labcorp Genetics (formerly Invitae), Labcorp
Classification: Uncertain significance for Primary ciliary dyskinesia. Last evaluated: 2025-01-20. Review status: criteria provided, single submitter. Criteria: Invitae Variant Classification Sherloc (09022015). Collection method: clinical testing. Allele origin: germline.
Comment: This sequence change replaces alanine, which is neutral and non-polar, with valine, which is neutral and non-polar, at codon 284 of the CCNO protein (p.Ala284Val). This variant is present in population databases (no rsID available, gnomAD 0.003%). This missense change has been observed in individual(s) with clinical features consistent with primary ciliary dyskinesia (internal data). ClinVar contains an entry for this variant (Variation ID: 648781). Invitae Evidence Modeling of protein sequence and biophysical properties (such as structural, functional, and spatial information, amino acid conservation, physicochemical variation, residue mobility, and thermodynamic stability) indicates that this missense variant is not expected to disrupt CCNO protein function with a negative predictive value of 80%. In summary, the available evidence is currently insufficient to determine the role of this variant in disease. Therefore, it has been classified as a Variant of Uncertain Significance.

NM_021147.5(CCNO):c.851C>T (p.Ala284Val)

Gene: CCNO (cyclin O; minus strand). Cytogenetic location: 5q11.2.
Variant type: single nucleotide variant.
Coding change: c.851C>T on transcript NM_021147.5 (MANE Select); coding-DNA position 851, C replaced by T.
Protein change: p.Ala284Val; replaces alanine 284 with valine.
Molecular consequence: missense variant. On other transcripts: non-coding transcript variant (3).
Genome position (GRCh38, 1-based): chr5:55,231,577, G>A on the plus strand (C>T on the coding strand, the complement: CCNO is on the minus strand). VCF-style: chr5-55231577-G-A. GRCh37 (hg19) VCF-style: chr5-54527405-G-A.
Other names: short protein forms A284V.
Identifiers: ClinVar variation 648781 (VCV000648781.15), dbSNP rs1000287085, ClinGen allele CA118942507.